The following is an entry in ClinVar:

NM_005262.2(GFER):c.-83C>T

Genes: GFER (growth factor, augmenter of liver regeneration; plus strand), LOC130058203 (ATAC-STARR-seq lymphoblastoid silent region 7014; plus strand). Cytogenetic location: 16p13.3.
Variant type: single nucleotide variant.
Coding change: c.-83C>T on transcript NM_005262.2; 83 bases upstream of the start codon, C replaced by T.
Genome position (GRCh38, 1-based): chr16:1,984,136, C>T. VCF-style: chr16-1984136-C-T. GRCh37 (hg19) VCF-style: chr16-2034137-C-T.
Identifiers: ClinVar variation 671622 (VCV000671622.4), dbSNP rs56119017, ClinGen allele CA14291482.

ClinVar aggregate classification (germline): Benign. Review status: criteria provided, multiple submitters, no conflicts (2 of 4 stars). 2 submissions from 2 submitters: Benign (2). Last evaluated 2018-06-14.

Allele frequency attached by ClinVar (database versions not stated): TOPMed 0.13172; 1000 Genomes Project 30x 0.13523; 1000 Genomes Project 0.13638; gnomAD 0.13884 and 0.14385.

Submissions (2):

GeneDx
Classification: Benign. Last evaluated: 2018-06-14. Review status: criteria provided, single submitter. Criteria: GeneDx Variant Classification (06012015). Collection method: clinical testing. Allele origin: germline. Affected: yes.
Comment: This variant is considered likely benign or benign based on one or more of the following criteria: it is a conservative change, it occurs at a poorly conserved position in the protein, it is predicted to be benign by multiple in silico algorithms, and/or has population frequency not consistent with disease.

Breakthrough Genomics
Classification: Benign. Review status: criteria provided, single submitter. Criteria: ACMG Guidelines, 2015. Collection method: not provided. Allele origin: germline. Inheritance: Autosomal recessive inheritance. Affected: yes.